The following is an entry in ClinVar:

ClinVar aggregate classification (germline): Uncertain significance. Review status: criteria provided, single submitter (1 of 4 stars). 2 submissions from 2 submitters: Uncertain significance (1). 1 of the submissions does not count toward it. Last evaluated 2025-01-07.

Conditions:
Desmin-related myofibrillar myopathy (MFM1). Also called: Desminopathy; Myofibrillar myopathy 1; MYOFIBRILLAR MYOPATHY WITH ARRHYTHMOGENIC RIGHT VENTRICULAR CARDIOMYOPATHY; DESMIN-RELATED MYOPATHY WITH ARRHYTHMOGENIC RIGHT VENTRICULAR CARDIOMYOPATHY; Desmin related myopathy (former name); Desmin storage myopathy (former name). Identifiers: Orphanet 363543, Orphanet 98909, MedGen C1832370, MONDO:0011076, OMIM 601419.
Neurogenic scapuloperoneal syndrome, Kaeser type (SCPNK). Also called: KAESER SYNDROME. Identifiers: Orphanet 85146, MedGen C1867005, MONDO:0008407, OMIM 181400.

Allele frequency attached by ClinVar (database versions not stated): gnomAD exomes below 0.00001.
gnomAD v4.1: 3 of 1,612,848 alleles (0.00019%); highest among the groups gnomAD compares: South Asian, 0.0011%; no homozygotes.

Submissions (2):

Labcorp Genetics (formerly Invitae), Labcorp
Classification: Uncertain significance for Desmin-related myofibrillar myopathy. Last evaluated: 2025-01-07. Review status: criteria provided, single submitter. Criteria: Invitae Variant Classification Sherloc (09022015). Collection method: clinical testing. Allele origin: germline.
Comment: This sequence change falls in intron 5 of the DES gene. It does not directly change the encoded amino acid sequence of the DES protein. It affects a nucleotide within the consensus splice site. The frequency data for this variant in the population databases is considered unreliable, as metrics indicate poor data quality at this position in the gnomAD database. This variant has been observed in individual(s) with congenital myasthenic syndrome (PMID: 37721175). ClinVar contains an entry for this variant (Variation ID: 2143045). Variants that disrupt the consensus splice site are a relatively common cause of aberrant splicing (PMID: 17576681, 9536098). Algorithms developed to predict the effect of sequence changes on RNA splicing suggest that this variant may disrupt the consensus splice site. In summary, the available evidence is currently insufficient to determine the role of this variant in disease. Therefore, it has been classified as a Variant of Uncertain Significance.

Solve-RD Consortium
Classification: Likely pathogenic for Neurogenic scapuloperoneal syndrome, Kaeser type. Last evaluated: 2022-06-01. Review status: no assertion criteria provided. Collection method: provider interpretation. Allele origin: inherited. Affected: yes. Not counted in ClinVar's aggregate classification.
Comment: Variant confirmed as disease-causing by referring clinical team

Variant identified during reanalysis of unsolved cases by the Solve-RD project. The Solve-RD project has received funding from the European Union’s Horizon 2020 research and innovation programme under grant agreement No 779257.

Literature cited by the submitters: PubMed 37721175 (cited by Labcorp Genetics (formerly Invitae), Labcorp); PubMed 17576681 (cited by Labcorp Genetics (formerly Invitae), Labcorp); PubMed 9536098 (cited by Labcorp Genetics (formerly Invitae), Labcorp); PubMed 39825153 (cited by Solve-RD Consortium).

NM_001927.4(DES):c.1023+5G>A

Gene: DES (desmin; plus strand). Cytogenetic location: 2q35.
Variant type: single nucleotide variant.
Coding change: c.1023+5G>A on transcript NM_001927.4 (MANE Select); 5 bases into the intron after coding-DNA position 1023, G replaced by A.
Molecular consequence: intron variant.
Genome position (GRCh38, 1-based): chr2:219,420,958, G>A. VCF-style: chr2-219420958-G-A. GRCh37 (hg19) VCF-style: chr2-220285680-G-A.
Other names: c.1023+5G>A (NM_001382712.1, NM_001382711.1, NM_001382710.1); c.736-526G>A (NM_001382709.1); c.1020+5G>A (NM_001382708.1); c.753+5G>A (NM_001382713.1).
Identifiers: ClinVar variation 2143045 (VCV002143045.5), dbSNP rs775424478, ClinGen allele CA539843155.